The following is an entry in ClinVar:

NM_001353345.2(SETD1B):c.2526G>A (p.Pro842=)

Gene: SETD1B (SET domain containing 1B, histone lysine methyltransferase; plus strand). Cytogenetic location: 12q24.31.
Variant type: single nucleotide variant.
Coding change: c.2526G>A on transcript NM_001353345.2 (MANE Select); coding-DNA position 2526, G replaced by A.
Protein change: p.Pro842=; no amino-acid change (proline 842 retained).
Molecular consequence: synonymous variant.
Genome position (GRCh38, 1-based): chr12:121,814,741, G>A. VCF-style: chr12-121814741-G-A. GRCh37 (hg19) VCF-style: chr12-122252647-G-A.
Other names: NM_015048.1:c.2526G>A.
Identifiers: ClinVar variation 2643452 (VCV002643452.25), dbSNP rs367670977, ClinGen allele CA6838956.

ClinVar aggregate classification (germline): Likely benign. Review status: criteria provided, single submitter (1 of 4 stars). 2 submissions from 2 submitters: Likely benign (1). 1 of the submissions does not count toward it. Last evaluated 2022-11-01.

Conditions:
SETD1B-related disorder. Also called: SETD1B-related condition.

Allele frequency attached by ClinVar (database versions not stated): gnomAD exomes 0.00006; ExAC 0.00015; 1000 Genomes Project 0.00020; ESP Exome Variant Server 0.00022; 1000 Genomes Project 30x 0.00031; TOPMed 0.00057.
gnomAD v4.1: 155 of 1,551,182 alleles (0.01%); highest among the groups gnomAD compares: African/African-American, 0.18%; 1 homozygote.

Submissions (2):

CeGaT Center for Human Genetics Tuebingen
Classification: Likely benign. Last evaluated: 2022-11-01. Review status: criteria provided, single submitter. Criteria: CeGaT Center For Human Genetics Tuebingen Variant Classification Criteria Version 2. Collection method: clinical testing. Allele origin: germline. Affected: yes. Observed: 1 variant allele.
Comment: SETD1B: BP4, BP7, BS1

PreventionGenetics, part of Exact Sciences
Classification: Likely benign for SETD1B-related condition. Last evaluated: 2023-12-13. Review status: no assertion criteria provided. Collection method: clinical testing. Allele origin: germline. Not counted in ClinVar's aggregate classification.
Comment: This variant is classified as likely benign based on ACMG/AMP sequence variant interpretation guidelines (Richards et al. 2015 PMID: 25741868, with internal and published modifications).